The following is an entry in ClinVar:

NM_003718.5(CDK13):c.1671C>T (p.Ala557=)

Gene: CDK13 (cyclin dependent kinase 13; plus strand). Cytogenetic location: 7p14.1.
Variant type: single nucleotide variant.
Coding change: c.1671C>T on transcript NM_003718.5 (MANE Select); coding-DNA position 1671, C replaced by T.
Protein change: p.Ala557=; no amino-acid change (alanine 557 retained).
Molecular consequence: synonymous variant.
Genome position (GRCh38, 1-based): chr7:39,988,058, C>T. VCF-style: chr7-39988058-C-T. GRCh37 (hg19) VCF-style: chr7-40027657-C-T.
Other names: c.1671C>T, p.Ala557= (NM_031267.4).
Identifiers: ClinVar variation 709785 (VCV000709785.11), dbSNP rs139716678, ClinGen allele CA4228538.

ClinVar aggregate classification (germline): Benign/Likely benign. Review status: criteria provided, multiple submitters, no conflicts (2 of 4 stars). 3 submissions from 3 submitters: Benign (1); Likely benign (1). 1 of the submissions does not count toward it. Last evaluated 2026-01-02.

Conditions:
CDK13-related disorder. Also called: CDK13-related condition. Identifiers: MedGen C5816700.

Allele frequency attached by ClinVar (database versions not stated): gnomAD exomes 0.00021 and 0.00022; ExAC 0.00022; 1000 Genomes Project 0.00040; 1000 Genomes Project 30x 0.00047; gnomAD 0.00070 and 0.00074; ESP Exome Variant Server 0.00085; TOPMed 0.00105.

Submissions (3):

Labcorp Genetics (formerly Invitae), Labcorp
Classification: Benign. Last evaluated: 2026-01-02. Review status: criteria provided, single submitter. Criteria: Invitae Variant Classification Sherloc (09022015). Collection method: clinical testing. Allele origin: germline.

Blueprint Genetics
Classification: Likely benign. Last evaluated: 2024-10-18. Review status: criteria provided, single submitter. Criteria: ACMG Guidelines, 2015. Collection method: clinical testing. Allele origin: germline.

PreventionGenetics, part of Exact Sciences
Classification: Likely benign for CDK13-related condition. Last evaluated: 2019-03-12. Review status: no assertion criteria provided. Collection method: clinical testing. Allele origin: germline. Not counted in ClinVar's aggregate classification.
Comment: This variant is classified as likely benign based on ACMG/AMP sequence variant interpretation guidelines (Richards et al. 2015 PMID: 25741868, with internal and published modifications).